The following is an entry in ClinVar:

NM_000834.5(GRIN2B):c.1283C>T (p.Thr428Ile)

Gene: GRIN2B (glutamate ionotropic receptor NMDA type subunit 2B; minus strand). Cytogenetic location: 12p13.1.
Variant type: single nucleotide variant.
Coding change: c.1283C>T on transcript NM_000834.5 (MANE Select); coding-DNA position 1283, C replaced by T.
Protein change: p.Thr428Ile; replaces threonine 428 with isoleucine.
Molecular consequence: missense variant.
Genome position (GRCh38, 1-based): chr12:13,616,500, G>A on the plus strand (C>T on the coding strand, the complement: GRIN2B is on the minus strand). VCF-style: chr12-13616500-G-A. GRCh37 (hg19) VCF-style: chr12-13769434-G-A.
Other names: short protein forms T428I.
Identifiers: ClinVar variation 1709032 (VCV001709032.2), dbSNP rs2497602274, ClinGen allele CA384052537.
Genomic context (GRCh38, chr12:13,616,500, plus strand): 5'-GAGAGGATGCCATACTCAGTGACTATGCGTTTTTGGCAGGGGACTGTGTTCCTCATGCAG[G>A]TTCCACTCAGAGGGTCCACACTTTCCACAATGACAAATGGTGCCTCCTCCAGGGTCACAA-3'
Protein context (NP_000825.2, residues 418-438): IVESVDPLSG[Thr428Ile]CMRNTVPCQK

ClinVar aggregate classification (germline): Uncertain significance (1 of 4 stars; one submission).

Conditions:
Intellectual developmental disorder, autosomal dominant 6, with or without seizures. Also called: GRIN2B-related developmental delay, intellectual disability and autism spectrum disorder; Intellectual disability, autosomal dominant 6. Identifiers: Orphanet 589547, MedGen C3151411, MONDO:0013509, OMIM 613970.

Submission:

MGZ Medical Genetics Center
Classification: Uncertain significance for Intellectual developmental disorder, autosomal dominant 6, with or without seizures. Last evaluated: 2022-01-20. Review status: criteria provided, single submitter. Criteria: ACMG Guidelines, 2015. Collection method: clinical testing. Allele origin: germline. Affected: yes. Observed: 1 variant allele.
Comment: ACMG criteria applied: PM2_SUP, PP2